The following is an entry in ClinVar:

NM_001005498.4(RHBDF2):c.1235G>A (p.Arg412Gln)

Gene: RHBDF2 (rhomboid 5 homolog 2; minus strand). Cytogenetic location: 17q25.1.
Variant type: single nucleotide variant.
Coding change: c.1235G>A on transcript NM_001005498.4 (MANE Select); coding-DNA position 1235, G replaced by A.
Protein change: p.Arg412Gln; replaces arginine 412 with glutamine.
Molecular consequence: missense variant. On other transcripts: non-coding transcript variant (3).
Genome position (GRCh38, 1-based): chr17:76,474,797, C>T on the plus strand (G>A on the coding strand, the complement: RHBDF2 is on the minus strand). VCF-style: chr17-76474797-C-T. GRCh37 (hg19) VCF-style: chr17-74470879-C-T.
Other names: c.1235G>A, p.Arg412Gln (NM_001376228.1, NM_001376229.1, NM_001376230.1); c.1322G>A, p.Arg441Gln (NM_024599.5); short protein forms R441Q, R412Q.
Identifiers: ClinVar variation 892193 (VCV000892193.5), dbSNP rs377416669, ClinGen allele CA8787078.

ClinVar aggregate classification (germline): Conflicting classifications of pathogenicity. Review status: criteria provided, conflicting classifications (1 of 4 stars). 2 submissions from 2 submitters: Uncertain significance (1); Likely benign (1). Last evaluated 2024-01-03.

Conditions:
Palmoplantar keratoderma-esophageal carcinoma syndrome (TOC). Also called: Tylosis with Esophageal Cancer; KERATOSIS PALMARIS ET PLANTARIS WITH ESOPHAGEAL CANCER; PALMOPLANTAR KERATODERMA WITH ESOPHAGEAL CANCER. Identifiers: Orphanet 2198, MedGen C1835664, MONDO:0007856, OMIM 148500.

Allele frequency attached by ClinVar (database versions not stated): TOPMed below 0.00001; gnomAD exomes 0.00001 and 0.00002; ExAC 0.00002; ESP Exome Variant Server 0.00008.
gnomAD v4.1: 12 of 1,613,940 alleles (0.00074%); highest among the groups gnomAD compares: South Asian, 0.0044%; no homozygotes.

Submissions (2):

Baylor Genetics
Classification: Uncertain significance for Palmoplantar keratoderma-esophageal carcinoma syndrome. Last evaluated: 2024-01-03. Review status: criteria provided, single submitter. Criteria: ACMG Guidelines, 2015. Collection method: clinical testing. Allele origin: unknown.

Illumina Laboratory Services, Illumina
Classification: Likely benign for Palmoplantar keratoderma-esophageal carcinoma syndrome. Last evaluated: 2018-01-12. Review status: criteria provided, single submitter. Criteria: ICSL Variant Classification Criteria 13 December 2019. Collection method: clinical testing. Allele origin: germline.
Comment: This variant was observed in the ICSL laboratory as part of a predisposition screen in an ostensibly healthy population. It had not been previously curated by ICSL or reported in the Human Gene Mutation Database (HGMD: prior to June 1st, 2018), and was therefore a candidate for classification through an automated scoring system. Utilizing variant allele frequency, disease prevalence and penetrance estimates, and inheritance mode, an automated score was calculated to assess if this variant is too frequent to cause the disease. Based on the score and internal cut-off values, a variant classified as likely benign is not then subjected to further curation. The score for this variant resulted in a classification of likely benign for this disease.